The following is an entry in ClinVar:

NM_012200.4(B3GAT3):c.416C>T (p.Thr139Met)

Gene: B3GAT3 (beta-1,3-glucuronyltransferase 3; minus strand). Cytogenetic location: 11q12.3.
Variant type: single nucleotide variant.
Coding change: c.416C>T on transcript NM_012200.4 (MANE Select); coding-DNA position 416, C replaced by T.
Protein change: p.Thr139Met; replaces threonine 139 with methionine.
Molecular consequence: missense variant. On other transcripts: non-coding transcript variant (1).
Genome position (GRCh38, 1-based): chr11:62,617,189, G>A on the plus strand (C>T on the coding strand, the complement: B3GAT3 is on the minus strand). VCF-style: chr11-62617189-G-A. GRCh37 (hg19) VCF-style: chr11-62384661-G-A.
Other names: c.395C>T, p.Thr132Met (NM_001288721.2); c.416C>T, p.Thr139Met (NM_001288722.2, NM_001288723.2); short protein forms T132M, T139M.
Identifiers: ClinVar variation 1520748 (VCV001520748.6), dbSNP rs1327941900, ClinGen allele CA380977040.

ClinVar aggregate classification (germline): Conflicting classifications of pathogenicity. Review status: criteria provided, conflicting classifications (1 of 4 stars). 2 submissions from 2 submitters: Likely pathogenic (1); Uncertain significance (1). Last evaluated 2022-06-13.

Conditions:
Larsen-like syndrome, B3GAT3 type. Also called: MULTIPLE JOINT DISLOCATIONS, SHORT STATURE, AND CRANIOFACIAL DYSMORPHISM WITH OR WITHOUT CONGENITAL HEART DEFECTS; Multiple joint dislocations, short stature, craniofacial dysmorphism, with or without congenital heart defects. Identifiers: Orphanet 284139, MedGen CN034159, MONDO:0009511, OMIM 245600.

Allele frequency attached by ClinVar (database versions not stated): gnomAD 0.00001; TOPMed 0.00001.

Submissions (2):

Labcorp Genetics (formerly Invitae), Labcorp
Classification: Uncertain significance for Larsen-like syndrome, B3GAT3 type. Last evaluated: 2022-06-13. Review status: criteria provided, single submitter. Criteria: Invitae Variant Classification Sherloc (09022015). Collection method: clinical testing. Allele origin: germline.
Comment: This sequence change replaces threonine, which is neutral and polar, with methionine, which is neutral and non-polar, at codon 139 of the B3GAT3 protein (p.Thr139Met). This variant is present in population databases (no rsID available, gnomAD 0.0009%). This missense change has been observed in individuals with clinical features of multiple joint dislocations, short stature, craniofacial dysmorphism, with or without congenital heart defects (PMID: 28229453, 31196143). Algorithms developed to predict the effect of missense changes on protein structure and function are either unavailable or do not agree on the potential impact of this missense change (SIFT: "Tolerated"; PolyPhen-2: "Probably Damaging"; Align-GVGD: "Class C0"). In summary, the available evidence is currently insufficient to determine the role of this variant in disease. Therefore, it has been classified as a Variant of Uncertain Significance.

Clinical Genetics Service, Universitary Hospital 12 de Octubre
Classification: Likely pathogenic for Larsen-like syndrome, B3GAT3 type. Review status: criteria provided, single submitter. Criteria: ACMG Guidelines, 2015. Collection method: clinical testing. Allele origin: germline. Affected: yes.

Literature cited by the submitters: PubMed 28229453 (cited by Labcorp Genetics (formerly Invitae), Labcorp); PubMed 31196143 (cited by Labcorp Genetics (formerly Invitae), Labcorp).